The following is an entry in ClinVar:

NM_000342.4(SLC4A1):c.1096G>A (p.Gly366Arg)

Gene: SLC4A1 (solute carrier family 4 member 1 (Diego blood group); minus strand). Cytogenetic location: 17q21.31.
Variant type: single nucleotide variant.
Coding change: c.1096G>A on transcript NM_000342.4 (MANE Select); coding-DNA position 1096, G replaced by A.
Protein change: p.Gly366Arg; replaces glycine 366 with arginine.
Molecular consequence: missense variant.
Genome position (GRCh38, 1-based): chr17:44,258,172, C>T on the plus strand (G>A on the coding strand, the complement: SLC4A1 is on the minus strand). VCF-style: chr17-44258172-C-T. GRCh37 (hg19) VCF-style: chr17-42335540-C-T.
Other names: short protein forms G366R.
Identifiers: ClinVar variation 4533261 (VCV004533261.1).

ClinVar aggregate classification (germline): Pathogenic (1 of 4 stars; one submission).

Conditions:
Inherited distal renal tubular acidosis. Also called: Hereditary Distal Renal Tubular Acidosis. Identifiers: MedGen CN380239, MONDO:1060161.

Submission:

Clinical Genetics and Genomics Laboratory, Noor Shahriyar Hospital
Classification: Pathogenic for Inherited distal renal tubular acidosis. Last evaluated: 2015-05-05. Review status: criteria provided, single submitter. Criteria: ACMG Guidelines, 2015. Collection method: clinical testing. Allele origin: biparental.
Comment: NM_000342.4(SLC4A1):c.1096G>A is not a well-established pathogenic SLC4A1 variant and may be treated as VUS. However, the current clinical observations supports its pathogenicity.

Literature cited by the submitters: PubMed 25957428.